The following is an entry in ClinVar:

ClinVar aggregate classification (germline): Uncertain significance (1 of 4 stars; one submission).

Conditions:
Mitochondrial complex II deficiency, nuclear type 1. Also called: SUCCINATE CoQ REDUCTASE DEFICIENCY. Identifiers: Orphanet 3208, MedGen C5700310, MONDO:0100294, OMIM 252011.
Pheochromocytoma/paraganglioma syndrome 5. Also called: Paragangliomas 5; SDHA-Related Hereditary Paraganglioma-Pheochromocytoma Syndrome. Identifiers: Orphanet 29072, MedGen C3279992, MONDO:0013602, OMIM 614165.

Submission:

Labcorp Genetics (formerly Invitae), Labcorp
Classification: Uncertain significance for Pheochromocytoma/paraganglioma syndrome 5; Mitochondrial complex II deficiency, nuclear type 1. Last evaluated: 2017-08-06. Review status: criteria provided, single submitter. Criteria: Invitae Variant Classification Sherloc (09022015). Collection method: clinical testing. Allele origin: germline.
Comment: In summary, the available evidence is currently insufficient to determine the role of this variant in disease. Therefore, it has been classified as a Variant of Uncertain Significance. Algorithms developed to predict the effect of missense changes on protein structure and function (SIFT, PolyPhen-2, Align-GVGD) all suggest that this variant is likely to be disruptive, but these predictions have not been confirmed by published functional studies and their clinical significance is uncertain. This variant has not been reported in the literature in individuals with SDHA-related disease. This variant is not present in population databases (ExAC no frequency). This sequence change replaces glutamic acid with lysine at codon 587 of the SDHA protein (p.Glu587Lys). The glutamic acid residue is highly conserved and there is a small physicochemical difference between glutamic acid and lysine.

NM_004168.4(SDHA):c.1759G>A (p.Glu587Lys)

Gene: SDHA (succinate dehydrogenase complex flavoprotein subunit A; plus strand). Cytogenetic location: 5p15.33.
Variant type: single nucleotide variant.
Coding change: c.1759G>A on transcript NM_004168.4 (MANE Select); coding-DNA position 1759, G replaced by A.
Protein change: p.Glu587Lys; replaces glutamic acid 587 with lysine.
Molecular consequence: missense variant. On other transcripts: intron variant (1).
Genome position (GRCh38, 1-based): chr5:251,433, G>A. VCF-style: chr5-251433-G-A. GRCh37 (hg19) VCF-style: chr5-251548-G-A.
Other names: c.1615G>A, p.Glu539Lys (NM_001294332.2); c.1552-2960G>A (NM_001330758.2); short protein forms E587K, E539K.
Identifiers: ClinVar variation 539630 (VCV000539630.9), dbSNP rs1554001954, ClinGen allele CA359000305.